The following is an entry in ClinVar:

NM_001035.3(RYR2):c.2520C>T (p.Tyr840=)

Gene: RYR2 (ryanodine receptor 2; plus strand). Cytogenetic location: 1q43.
Variant type: single nucleotide variant.
Coding change: c.2520C>T on transcript NM_001035.3 (MANE Select); coding-DNA position 2520, C replaced by T.
Protein change: p.Tyr840=; no amino-acid change (tyrosine 840 retained).
Molecular consequence: synonymous variant.
Genome position (GRCh38, 1-based): chr1:237,503,412, C>T. VCF-style: chr1-237503412-C-T. GRCh37 (hg19) VCF-style: chr1-237666712-C-T.
Other names: c.2520C>T, p.Tyr840= (LRG_402t1).
Identifiers: ClinVar variation 514086 (VCV000514086.10), dbSNP rs1553475643, ClinGen allele CA423816439.

ClinVar aggregate classification (germline): Likely benign. Review status: criteria provided, multiple submitters, no conflicts (2 of 4 stars). 2 submissions from 2 submitters: Likely benign (2). Last evaluated 2021-04-13.

Conditions:
Catecholaminergic polymorphic ventricular tachycardia 1. Also called: VENTRICULAR TACHYCARDIA, CATECHOLAMINERGIC POLYMORPHIC, 1, WITH OR WITHOUT ATRIAL DYSFUNCTION AND/OR DILATED CARDIOMYOPATHY; RYR2-Related Catecholaminergic Polymorphic Ventricular Tachycardia; VENTRICULAR TACHYCARDIA, STRESS-INDUCED POLYMORPHIC 1. Identifiers: Orphanet 3286, MedGen C1631597, MONDO:0011484, OMIM 604772.

Submissions (2):

Labcorp Genetics (formerly Invitae), Labcorp
Classification: Likely benign for Catecholaminergic polymorphic ventricular tachycardia 1. Last evaluated: 2021-04-13. Review status: criteria provided, single submitter. Criteria: Invitae Variant Classification Sherloc (09022015). Collection method: clinical testing. Allele origin: germline.

GeneDx
Classification: Likely benign. Last evaluated: 2017-12-14. Review status: criteria provided, single submitter. Criteria: GeneDx Variant Classification (06012015). Collection method: clinical testing. Allele origin: germline. Affected: yes.
Comment: This variant is considered likely benign or benign based on one or more of the following criteria: it is a conservative change, it occurs at a poorly conserved position in the protein, it is predicted to be benign by multiple in silico algorithms, and/or has population frequency not consistent with disease.